The following is an entry in ClinVar:

ClinVar aggregate classification (germline): Uncertain significance (1 of 4 stars; one submission).

Submission:

GeneDx
Classification: Uncertain significance. Last evaluated: 2019-07-24. Review status: criteria provided, single submitter. Criteria: GeneDx Variant Classification Process June 2021. Collection method: clinical testing. Allele origin: germline. Affected: yes.
Comment: Not observed in large population cohorts (Lek et al., 2016); Canonical splice site variant in a gene for which loss-of-function is not a known mechanism of disease; Has not been previously published as pathogenic or benign to our knowledge

NM_000234.3(LIG1):c.1088-2_1094del

Gene: LIG1 (DNA ligase 1; minus strand). Cytogenetic location: 19q13.33.
Variant type: Deletion.
Coding change: c.1088-2_1094del on transcript NM_000234.3 (MANE Select); the canonical splice acceptor site of the intron before coding-DNA position 1088 through coding-DNA position 1094, 9 bases deleted (AGGTCGGCA; older notation c.1088-2_1094delAGGTCGGCA).
Molecular consequence: splice acceptor variant.
Genome position (GRCh38, 1-based): chr19:48,137,682-48,137,690, TGCCGACCT deleted on the plus strand (AGGTCGGCA on the coding strand, the reverse complement: LIG1 is on the minus strand); deleting any 9 consecutive bases within chr19:48,137,682-48,137,691 gives the same sequence; the c. name uses the placement nearest the transcript's 3' end. VCF-style (leftmost placement, unchanged base first): chr19-48137681-CTGCCGACCT-C. GRCh37 (hg19) VCF-style: chr19-48640938-CTGCCGACCT-C.
Other names: c.995-2_1001del (NM_001289063.2); c.998-2_1004del (NM_001320971.2); c.884-2_890del (NM_001289064.2); c.1085-2_1091del (NM_001320970.2).
Identifiers: ClinVar variation 1304847 (VCV001304847.2), dbSNP rs2122636321, ClinGen allele CA2573054799.
Genomic context (GRCh38, chr19:48,137,681, plus strand): 5'-GTTCTCGGCCACCAGCCCCACGTCGCCTTTCTCGGCTGCCTCAGCCCGGACGGACTCCAG[CTGCCGACCT>C]TCAGGGGAGAGCGCGGGTGGGGGTGTCGAGGGTGACAGTTGTGGCTGCGTGTCTCCCTTC-3'